The following is an entry in ClinVar:

NM_000038.6(APC):c.8360A>C (p.Asn2787Thr)

Gene: APC (APC regulator of Wnt signaling pathway; plus strand). Cytogenetic location: 5q22.2.
Variant type: single nucleotide variant.
Coding change: c.8360A>C on transcript NM_000038.6 (MANE Select); coding-DNA position 8360, A replaced by C.
Protein change: p.Asn2787Thr; replaces asparagine 2787 with threonine.
Molecular consequence: missense variant. On other transcripts: non-coding transcript variant (2).
Genome position (GRCh38, 1-based): chr5:112,843,954, A>C. VCF-style: chr5-112843954-A-C. GRCh37 (hg19) VCF-style: chr5-112179651-A-C.
Other names: c.8087A>C, p.Asn2696Thr (NM_001354902.2); c.8057A>C, p.Asn2686Thr (NM_001354903.2, NM_001407458.1, NM_001407459.1 and 1 more transcripts); c.7982A>C, p.Asn2661Thr (NM_001354904.2); c.7880A>C, p.Asn2627Thr (NM_001354905.2); c.7511A>C, p.Asn2504Thr (NM_001354906.2, NM_001407470.1); c.8444A>C, p.Asn2815Thr (NM_001407446.1); c.8414A>C, p.Asn2805Thr (NM_001407447.1, NM_001407448.1, NM_001407449.1 and 1 more transcripts); c.8360A>C, p.Asn2787Thr (NM_001407450.1, NM_001127510.3, NM_001354895.2); and 11 more; short protein forms N2504T, N2627T, N2686T, N2787T, N2797T, N2661T, N2704T, N2728T.
Identifiers: ClinVar variation 5024238 (VCV005024238.1).

ClinVar aggregate classification (germline): Uncertain significance (1 of 4 stars; one submission).

Conditions:
Hereditary cancer-predisposing syndrome. Also called: Neoplastic Syndromes, Hereditary; Tumor predisposition; Hereditary neoplastic syndrome; Hereditary Cancer Syndrome. Identifiers: Orphanet 140162, MedGen C0027672, MeSH D009386, MONDO:0015356.

Submission:

Ambry Genetics
Classification: Uncertain significance for Hereditary cancer-predisposing syndrome. Last evaluated: 2026-07-29. Review status: criteria provided, single submitter. Criteria: Ambry Variant Classification Scheme 2023. Collection method: clinical testing. Allele origin: germline.
Comment: The p.N2787T variant (also known as c.8360A>C), located in coding exon 15 of the APC gene, results from an A to C substitution at nucleotide position 8360. The asparagine at codon 2787 is replaced by threonine, an amino acid with similar properties. This amino acid position is conserved. In addition, in silico predictors for this gene do not accurately predict pathogenicity. Based on the available evidence, the clinical significance of this variant remains unclear.